The following is an entry in ClinVar:

NM_002839.4(PTPRD):c.2352C>T (p.Asp784=)

Gene: PTPRD (protein tyrosine phosphatase receptor type D; minus strand). Cytogenetic location: 9p24.1.
Variant type: single nucleotide variant.
Coding change: c.2352C>T on transcript NM_002839.4 (MANE Select); coding-DNA position 2352, C replaced by T.
Protein change: p.Asp784=; no amino-acid change (aspartic acid 784 retained).
Molecular consequence: synonymous variant. On other transcripts: intron variant (7).
Genome position (GRCh38, 1-based): chr9:8,492,977, G>A on the plus strand (C>T on the coding strand, the complement: PTPRD is on the minus strand). VCF-style: chr9-8492977-G-A. GRCh37 (hg19) VCF-style: chr9-8492977-G-A.
Other names: c.2352C>T, p.Asp784= (NM_001377958.1, NM_001378058.1); c.1793-7653C>T (NM_001171025.2); c.1805-7653C>T (NM_001377946.1); c.1814-7650C>T (NM_001377947.1); c.1823-7653C>T (NM_130391.4, NM_130392.3); c.1814-7653C>T (NM_001040712.2); c.1805-7650C>T (NM_130393.3); c.2352C>T (NM_002839.3).
Identifiers: ClinVar variation 2659065 (VCV002659065.25), dbSNP rs142228841, ClinGen allele CA4984169.

ClinVar aggregate classification (germline): Likely benign. Review status: criteria provided, single submitter (1 of 4 stars). 2 submissions from 2 submitters: Likely benign (1). 1 of the submissions does not count toward it. Last evaluated 2022-12-01.

Conditions:
PTPRD-related disorder. Also called: PTPRD-related condition.

Allele frequency attached by ClinVar (database versions not stated): TOPMed 0.00026; gnomAD 0.00027; ESP Exome Variant Server 0.00038; ExAC 0.00062; gnomAD exomes 0.00063.
gnomAD v4.1: 948 of 1,609,062 alleles (0.059%); highest among the groups gnomAD compares: South Asian, 0.24%; 5 homozygotes.

Submissions (2):

CeGaT Center for Human Genetics Tuebingen
Classification: Likely benign. Last evaluated: 2022-12-01. Review status: criteria provided, single submitter. Criteria: CeGaT Center For Human Genetics Tuebingen Variant Classification Criteria Version 2. Collection method: clinical testing. Allele origin: germline. Affected: yes. Observed: 1 variant allele.
Comment: PTPRD: BP4, BP7

PreventionGenetics, part of Exact Sciences
Classification: Likely benign for PTPRD-related condition. Last evaluated: 2019-05-30. Review status: no assertion criteria provided. Collection method: clinical testing. Allele origin: germline. Not counted in ClinVar's aggregate classification.
Comment: This variant is classified as likely benign based on ACMG/AMP sequence variant interpretation guidelines (Richards et al. 2015 PMID: 25741868, with internal and published modifications).